The following is an entry in ClinVar:

ClinVar aggregate classification (germline): Uncertain significance. Review status: criteria provided, multiple submitters, no conflicts (2 of 4 stars). 7 submissions from 7 submitters: Uncertain significance (6). 1 of the submissions does not count toward it. Last evaluated 2026-04-14.

Conditions:
Benign recurrent intrahepatic cholestasis type 2 (BRIC2). Also called: Recurrent familial intrahepatic cholestasis 2. Identifiers: Orphanet 65682, Orphanet 99961, MedGen C2608083, MONDO:0011559, OMIM 605479.
Progressive familial intrahepatic cholestasis type 2. Identifiers: Orphanet 79304, MedGen C3489789, MONDO:0011156, OMIM 601847.
ABCB11-related disorder. Also called: ABCB11-related condition.
Cholestasis, intrahepatic, of pregnancy, 3. Identifiers: Orphanet 69665, MedGen C3554241, MONDO:0013995, OMIM 614972.
Familial intrahepatic cholestasis. Identifiers: Orphanet 284385, MedGen CN296401, MONDO:0017290.

Allele frequency attached by ClinVar (database versions not stated): ExAC 0.00006; gnomAD 0.00008 and 0.00009; gnomAD exomes 0.00010; TOPMed 0.00011; ESP Exome Variant Server 0.00025.
gnomAD v4.1: 302 of 1,612,666 alleles (0.019%); highest among the groups gnomAD compares: Non-Finnish European, 0.024%; no homozygotes.

Submissions (7):

Genomenon, Inc
Classification: Uncertain significance for Familial intrahepatic cholestasis. Last evaluated: 2026-04-14. Review status: criteria provided, single submitter. Criteria: Genomenon Sequence Variant Interpretation Standards - Updated. Collection method: curation. Allele origin: germline. Affected: no.
Comment: ABCB11 p.Glu592Gln (c.1774G>C) is a missense variant that changes the amino acid at residue 592 from Glutamic acid to Glutamine. This variant has been reported in the published literature (PMID:20010382;22795478;20799350;16180115;21082744). It is absent or not present at a significant frequency in gnomAD. In silico models predict that this variant is possibly or probably damaging. In conclusion, we classify ABCB11 p.Glu592Gln (c.1774G>C) as a variant of uncertain significance.

PreventionGenetics, part of Exact Sciences
Classification: Uncertain significance for ABCB11-related condition. Last evaluated: 2026-02-10. Review status: criteria provided, single submitter. Criteria: ACMG Guidelines, 2015. Collection method: clinical testing. Allele origin: germline.
Comment: The ABCB11 c.1774G>C variant is predicted to result in the amino acid substitution p.Glu592Gln. This variant was reported in an individual with Intrahepatic cholestasis of pregnancy (Turro et al 2020. PubMed ID: 32581362). This variant is reported in 0.018% of alleles in individuals of European (Non-Finnish) descent in gnomAD and is interpreted as uncertain in ClinVar. At this time, the clinical significance of this variant is uncertain due to the absence of conclusive functional and genetic evidence.

Broad Center for Mendelian Genomics, Broad Institute of MIT and Harvard
Classification: Uncertain significance for Progressive familial intrahepatic cholestasis type 2. Last evaluated: 2025-01-24. Review status: criteria provided, single submitter. Criteria: ACMG Guidelines, 2015. Collection method: curation. Allele origin: germline. Inheritance: Autosomal recessive inheritance.
Comment: The p.Glu592Gln variant in ABCB11 has not been previously reported in the literature in individuals with BSEP deficiency, but has been identified in 0.02% (285/11179164) of European (non-Finnish) chromosomes by the Genome Aggregation Database (gnomAD; dbSNP rs11568370). Although this variant has been seen in the general population in a heterozygous state, its frequency is not high enough to rule out a pathogenic role. This variant has also been reported in ClinVar (Variation ID: 596905) and has been interpreted as a variant of uncertain significance by NIHR Bioresource Rare Diseases (University of Cambridge), Fulgent Genetics (Fulgent Genetics), and Eurofins Ntd Llc (ga). Computational prediction tools and conservation analyses suggest that this variant may impact the protein, though this information is not predictive enough to determine pathogenicity. In summary, the clinical significance of the p.Glu592Gln variant is uncertain. ACMG/AMP Criteria applied: PP3 (Richards 2015).

Blueprint Genetics
Classification: Uncertain significance. Last evaluated: 2024-10-18. Review status: criteria provided, single submitter. Criteria: ACMG Guidelines, 2015. Collection method: clinical testing. Allele origin: germline.

Fulgent Genetics
Classification: Uncertain significance for Progressive familial intrahepatic cholestasis type 2; Benign recurrent intrahepatic cholestasis type 2. Last evaluated: 2022-02-08. Review status: criteria provided, single submitter. Criteria: ACMG Guidelines, 2015. Collection method: clinical testing. Allele origin: unknown.

Eurofins Ntd Llc (ga)
Classification: Uncertain significance. Last evaluated: 2018-04-19. Review status: criteria provided, single submitter. Criteria: EGL ClinVar v180209 classification definitions. Collection method: clinical testing. Allele origin: germline. Observed: 1 variant allele, 1 heterozygote.

NIHR Bioresource Rare Diseases, University of Cambridge
Classification: Likely pathogenic for Cholestasis, intrahepatic, of pregnancy, 3. Review status: no assertion criteria provided. Collection method: research. Allele origin: unknown. Affected: yes. Observed: 1 variant allele. Not counted in ClinVar's aggregate classification.

Literature cited by the submitters: PubMed 20010382 (cited by Genomenon, Inc); PubMed 22795478 (cited by Genomenon, Inc); PubMed 20799350 (cited by Genomenon, Inc); PubMed 16180115 (cited by Genomenon, Inc); PubMed 21082744 (cited by Genomenon, Inc); PubMed 32581362 (cited by NIHR Bioresource Rare Diseases, University of Cambridge).

NM_003742.4(ABCB11):c.1774G>C (p.Glu592Gln)

Gene: ABCB11 (ATP binding cassette subfamily B member 11; minus strand). Cytogenetic location: 2q31.1.
Variant type: single nucleotide variant.
Coding change: c.1774G>C on transcript NM_003742.4 (MANE Select); coding-DNA position 1774, G replaced by C.
Protein change: p.Glu592Gln; replaces glutamic acid 592 with glutamine.
Molecular consequence: missense variant.
Genome position (GRCh38, 1-based): chr2:168,970,080, C>G on the plus strand (G>C on the coding strand, the complement: ABCB11 is on the minus strand). VCF-style: chr2-168970080-C-G. GRCh37 (hg19) VCF-style: chr2-169826590-C-G.
Other names: NM_003742.4(ABCB11):c.1774G>C; p.Glu592Gln; c.1774G>C, p.Glu592Gln (LRG_1199t1); short protein forms E592Q.
Identifiers: ClinVar variation 596905 (VCV000596905.10), dbSNP rs11568370, ClinGen allele CA1951469.
Genomic context (GRCh38, chr2:168,970,080, plus strand): 5'-AAAATGGACTAAGACTTCCACAAACCTTACTCAGCACTTCTTGCACCATGGCTTCACTCT[C>G]ATTGTCCAGAGCTGAGGTGGCCATGTCCAAAAGCAGAATCTTGGGATTTCGGATGAGGGC-3'
Protein context (NP_003733.2, residues 582-602): LDMATSALDN[Glu592Gln]SEAMVQEVLS